The following is an entry in ClinVar:

NC_000010.10:g.(55996692_56077030)_(56560992_?)del

Gene: PCDH15 (protocadherin related 15; minus strand). Cytogenetic location: 10q21.1.
Variant type: Deletion.
Identifiers: ClinVar variation 4847761 (VCV004847761.1).

ClinVar aggregate classification (germline): Pathogenic (1 of 4 stars; one submission).

Conditions:
Usher syndrome type 1F (USH1F). Also called: USHER SYNDROME, TYPE IF. Identifiers: Orphanet 231169, Orphanet 886, MedGen C1865885, MONDO:0011186, OMIM 602083.

Submission:

Women's Health and Genetics/Laboratory Corporation of America, LabCorp
Classification: Pathogenic for Usher syndrome type 1F. Last evaluated: 2026-03-23. Review status: criteria provided, single submitter. Criteria: LabCorp Variant Classification Summary - May 2015. Collection method: clinical testing. Allele origin: germline.
Comment: Variant summary: The variant involves the deletion of exons 1-8 in the PCDH15 gene. A presumed nomenclature of c.(?_-336)_(876+1_877-1)del has been designated for the purposes of this classification. The exact breakpoint at the 5' end of this variant is unknown, therefore this deletion may extend upstream of the annotated region of this gene. Although the exact breakpoints of this deletion are not known, it is predicted to remove the initiation codon and result in an absence of protein or a truncation of the encoded protein due to translation initiation at a downstream site. Loss-of-function variants in this gene are known to be pathogenic. The variant was absent in 20898 control chromosomes. To our knowledge, no occurrence of c.(?_-336)_(876+1_877-1)del in individuals affected with PCDH15-related conditions and no experimental evidence demonstrating its impact on protein function have been reported. No submitters have cited clinical-significance assessments for this variant to ClinVar. Based on the evidence outlined above, the variant was classified as pathogenic.